The following is an entry in ClinVar:

ClinVar aggregate classification (germline): Likely benign. Review status: criteria provided, multiple submitters, no conflicts (2 of 4 stars). 4 submissions from 4 submitters: Likely benign (4). Last evaluated 2026-09-01.

Allele frequency attached by ClinVar (database versions not stated): ExAC below 0.00001; gnomAD exomes 0.00002 and 0.00005; gnomAD 0.00007; TOPMed 0.00012; ESP Exome Variant Server 0.00016; 1000 Genomes Project 30x 0.00031; 1000 Genomes Project 0.00040.
gnomAD v4.1: 43 of 1,552,542 alleles (0.0028%); highest among the groups gnomAD compares: African/African-American, 0.022%; 1 homozygote.

Submissions (4):

CeGaT Center for Human Genetics Tuebingen
Classification: Likely benign. Last evaluated: 2026-09-01. Review status: criteria provided, single submitter. Criteria: CeGaT Center For Human Genetics Tuebingen Variant Classification Criteria Version 2. Collection method: clinical testing. Allele origin: germline. Affected: yes. Observed: 1 variant allele.
Comment: FGFR3: BP4, BP7

Women's Health and Genetics/Laboratory Corporation of America, LabCorp
Classification: Likely benign. Last evaluated: 2026-02-03. Review status: criteria provided, single submitter. Criteria: LabCorp Variant Classification Summary - May 2015. Collection method: clinical testing. Allele origin: germline.

Labcorp Genetics (formerly Invitae), Labcorp
Classification: Likely benign. Last evaluated: 2025-11-17. Review status: criteria provided, single submitter. Criteria: Invitae Variant Classification Sherloc (09022015). Collection method: clinical testing. Allele origin: germline.

Blueprint Genetics
Classification: Likely benign. Last evaluated: 2023-12-05. Review status: criteria provided, single submitter. Criteria: ACMG Guidelines, 2015. Collection method: clinical testing. Allele origin: germline.

NM_000142.5(FGFR3):c.513C>T (p.Thr171=)

Gene: FGFR3 (fibroblast growth factor receptor 3; plus strand). Cytogenetic location: 4p16.3.
Variant type: single nucleotide variant.
Coding change: c.513C>T on transcript NM_000142.5 (MANE Select); coding-DNA position 513, C replaced by T.
Protein change: p.Thr171=; no amino-acid change (threonine 171 retained).
Molecular consequence: synonymous variant. On other transcripts: non-coding transcript variant (1).
Genome position (GRCh38, 1-based): chr4:1,801,434, C>T. VCF-style: chr4-1801434-C-T. GRCh37 (hg19) VCF-style: chr4-1803161-C-T.
Other names: c.513C>T, p.Thr171= (NM_001163213.2, NM_001354809.2, NM_001354810.2 and 1 more transcripts).
Identifiers: ClinVar variation 706758 (VCV000706758.12), dbSNP rs373209526, ClinGen allele CA2809861.